The following is an entry in ClinVar:

NM_173596.3(SLC39A5):c.1121G>C (p.Ser374Thr)

Gene: SLC39A5 (solute carrier family 39 member 5; plus strand). Cytogenetic location: 12q13.3.
Variant type: single nucleotide variant.
Coding change: c.1121G>C on transcript NM_173596.3 (MANE Select); coding-DNA position 1121, G replaced by C.
Protein change: p.Ser374Thr; replaces serine 374 with threonine.
Molecular consequence: missense variant.
Genome position (GRCh38, 1-based): chr12:56,236,660, G>C. VCF-style: chr12-56236660-G-C. GRCh37 (hg19) VCF-style: chr12-56630444-G-C.
Other names: c.1121G>C (NM_173596.2); c.1121G>C, p.Ser374Thr (NM_001135195.2); short protein forms S374T.
Identifiers: ClinVar variation 1333139 (VCV001333139.28), dbSNP rs74812296, ClinGen allele CA6627319.
Genomic context (GRCh38, chr12:56,236,660, plus strand): 5'-AGAGGGAGAAGAACAGCCAGCACCCACCAGCTCTGGCCCCTCCTGGGCACCAAGGCCACA[G>C]TCATGGGCACCAGGGTGGCACTGATATCACGTGGATGGTCCTCCTGGGAGATGGTCTACA-3'
Protein context (NP_775867.2, residues 364-384): ALAPPGHQGH[Ser374Thr]HGHQGGTDIT

ClinVar aggregate classification (germline): Benign/Likely benign. Review status: criteria provided, multiple submitters, no conflicts (2 of 4 stars). 4 submissions from 4 submitters: Benign (1); Likely benign (2). 1 of the submissions does not count toward it. Last evaluated 2026-09-01.

Conditions:
SLC39A5-related disorder. Also called: SLC39A5-related condition.
Myopia 24, autosomal dominant (MYP24). Identifiers: MedGen C4014762, MONDO:0014411, OMIM 615946.

Allele frequency attached by ClinVar (database versions not stated): 1000 Genomes Project 30x 0.00656; 1000 Genomes Project 0.00679; TOPMed 0.01309; ESP Exome Variant Server 0.01384; gnomAD 0.01434 and 0.01466; ExAC 0.01518; gnomAD exomes 0.01545 and 0.01628.
gnomAD v4.1: 26,106 of 1,613,792 alleles (1.6%); highest among the groups gnomAD compares: Non-Finnish European, 1.7%; 257 homozygotes.

Submissions (4):

CeGaT Center for Human Genetics Tuebingen
Classification: Likely benign. Last evaluated: 2026-09-01. Review status: criteria provided, single submitter. Criteria: CeGaT Center For Human Genetics Tuebingen Variant Classification Criteria Version 2. Collection method: clinical testing. Allele origin: germline. Affected: yes. Observed: 7 variant alleles.
Comment: SLC39A5: BP4

Genome-Nilou Lab
Classification: Benign for Myopia 24, autosomal dominant. Last evaluated: 2021-07-15. Review status: criteria provided, single submitter. Criteria: ACMG Guidelines, 2015. Collection method: clinical testing. Allele origin: germline. Affected: no.

Breakthrough Genomics
Classification: Likely benign. Review status: criteria provided, single submitter. Criteria: ACMG Guidelines, 2015. Collection method: not provided. Allele origin: germline. Inheritance: Autosomal dominant inheritance. Affected: yes.

PreventionGenetics, part of Exact Sciences
Classification: Benign for SLC39A5-related condition. Last evaluated: 2019-11-25. Review status: no assertion criteria provided. Collection method: clinical testing. Allele origin: germline. Not counted in ClinVar's aggregate classification.
Comment: This variant is classified as benign based on ACMG/AMP sequence variant interpretation guidelines (Richards et al. 2015 PMID: 25741868, with internal and published modifications).